The following is an entry in ClinVar:

NM_024503.5(HIVEP3):c.7091G>A (p.Arg2364His)

Gene: HIVEP3 (HIVEP zinc finger 3; minus strand). Cytogenetic location: 1p34.2.
Variant type: single nucleotide variant.
Coding change: c.7091G>A on transcript NM_024503.5 (MANE Select); coding-DNA position 7091, G replaced by A.
Protein change: p.Arg2364His; replaces arginine 2364 with histidine.
Molecular consequence: missense variant.
Genome position (GRCh38, 1-based): chr1:41,510,581, C>T on the plus strand (G>A on the coding strand, the complement: HIVEP3 is on the minus strand). VCF-style: chr1-41510581-C-T. GRCh37 (hg19) VCF-style: chr1-41976252-C-T.
Other names: c.7088G>A, p.Arg2363His (NM_001127714.3); short protein forms R2363H, R2364H.
Identifiers: ClinVar variation 3046158 (VCV003046158.2), dbSNP rs199696052, ClinGen allele CA796994.

ClinVar aggregate classification (germline): Likely benign (0 of 4 stars; one submission).

Conditions:
HIVEP3-related disorder. Also called: HIVEP3-related condition.

Allele frequency attached by ClinVar (database versions not stated): gnomAD 0.00013; 1000 Genomes Project 30x 0.00016; TOPMed 0.00016; ExAC 0.00018; 1000 Genomes Project 0.00020.
gnomAD v4.1: 87 of 1,559,070 alleles (0.0056%); highest among the groups gnomAD compares: East Asian, 0.14%; 1 homozygote.

Submission:

PreventionGenetics, part of Exact Sciences
Classification: Likely benign for HIVEP3-related condition. Last evaluated: 2020-08-31. Review status: no assertion criteria provided. Collection method: clinical testing. Allele origin: germline.
Comment: This variant is classified as likely benign based on ACMG/AMP sequence variant interpretation guidelines (Richards et al. 2015 PMID: 25741868, with internal and published modifications).